The following is an entry in ClinVar:

ClinVar aggregate classification (germline): Uncertain significance. Review status: criteria provided, multiple submitters, no conflicts (2 of 4 stars). 2 submissions from 2 submitters: Uncertain significance (2). Last evaluated 2025-08-03.

Conditions:
Cardiovascular phenotype. Identifiers: MedGen CN230736.
Myofibrillar myopathy 4. Also called: Zaspopathy (type). Identifiers: Orphanet 98912, MedGen C4721886, MONDO:0012277, OMIM 609452.

Allele frequency attached by ClinVar (database versions not stated): TOPMed below 0.00001.

Submissions (2):

Labcorp Genetics (formerly Invitae), Labcorp
Classification: Uncertain significance for Myofibrillar myopathy 4. Last evaluated: 2025-08-03. Review status: criteria provided, single submitter. Criteria: Invitae Variant Classification Sherloc (09022015). Collection method: clinical testing. Allele origin: germline.
Comment: The LDB3 gene has multiple clinically relevant transcripts. This variant occurs in alternate transcript NM_007078.3, and corresponds to NM_001080116.1:c.*17109C>T in the primary transcript. This sequence change replaces proline, which is neutral and non-polar, with leucine, which is neutral and non-polar, at codon 463 of the LDB3 protein (p.Pro463Leu). This variant is not present in population databases (gnomAD no frequency). This variant has not been reported in the literature in individuals affected with LDB3-related conditions. Experimental studies and prediction algorithms are not available or were not evaluated, and the functional significance of this variant is currently unknown. In summary, the available evidence is currently insufficient to determine the role of this variant in disease. Therefore, it has been classified as a Variant of Uncertain Significance.

Ambry Genetics
Classification: Uncertain significance for Cardiovascular phenotype. Last evaluated: 2021-03-05. Review status: criteria provided, single submitter. Criteria: Ambry Variant Classification Scheme 2023. Collection method: clinical testing. Allele origin: germline.
Comment: The p.P463L variant (also known as c.1388C>T), located in coding exon 9 of the LDB3 gene, results from a C to T substitution at nucleotide position 1388. The proline at codon 463 is replaced by leucine, an amino acid with similar properties. This amino acid position is well conserved in available vertebrate species. In addition, this alteration is predicted to be tolerated by in silico analysis. Since supporting evidence is limited at this time, the clinical significance of this alteration remains unclear.

NM_007078.3(LDB3):c.1388C>T (p.Pro463Leu)

Gene: LDB3 (LIM domain binding 3; plus strand). Cytogenetic location: 10q23.2.
Variant type: single nucleotide variant.
Coding change: c.1388C>T on transcript NM_007078.3 (MANE Select); coding-DNA position 1388, C replaced by T.
Protein change: p.Pro463Leu; replaces proline 463 with leucine.
Molecular consequence: missense variant.
Genome position (GRCh38, 1-based): chr10:86,716,483, C>T. VCF-style: chr10-86716483-C-T. GRCh37 (hg19) VCF-style: chr10-88476240-C-T.
Other names: c.1058C>T, p.Pro353Leu (NM_001080114.2); c.1403C>T, p.Pro468Leu (NM_001171610.2); c.1199C>T, p.Pro400Leu (NM_001368064.1, NM_001368065.1); c.1247C>T, p.Pro416Leu (NM_001368066.1); short protein forms P416L, P353L, P468L, P400L, P463L.
Identifiers: ClinVar variation 1771454 (VCV001771454.4), dbSNP rs962833066, ClinGen allele CA377450331.